The following is an entry in ClinVar:

ClinVar aggregate classification (germline): Uncertain significance (1 of 4 stars; one submission).

Conditions:
Alpha thalassemia-X-linked intellectual disability syndrome (ATRX). Also called: ALPHA-THALASSEMIA/MENTAL RETARDATION SYNDROME, X-LINKED; ATR, NONDELETION TYPE; ATR-X syndrome; Alpha thalassemia mental retardation syndrome, nondeletion type, X-linked; XLMR hypotonic face syndrome; X-linked alpha-thalassemia-mental retardation syndrome. Identifiers: Orphanet 847, MedGen C1845055, MONDO:0010519, OMIM 301040.

Submission:

Labcorp Genetics (formerly Invitae), Labcorp
Classification: Uncertain significance for Alpha thalassemia-X-linked intellectual disability syndrome. Last evaluated: 2025-02-23. Review status: criteria provided, single submitter. Criteria: Invitae Variant Classification Sherloc (09022015). Collection method: clinical testing. Allele origin: germline.
Comment: This sequence change replaces asparagine, which is neutral and polar, with lysine, which is basic and polar, at codon 2219 of the ATRX protein (p.Asn2219Lys). This variant is not present in population databases (gnomAD no frequency). This variant has not been reported in the literature in individuals affected with ATRX-related conditions. Invitae Evidence Modeling of protein sequence and biophysical properties (such as structural, functional, and spatial information, amino acid conservation, physicochemical variation, residue mobility, and thermodynamic stability) indicates that this missense variant is not expected to disrupt ATRX protein function with a negative predictive value of 95%. In summary, the available evidence is currently insufficient to determine the role of this variant in disease. Therefore, it has been classified as a Variant of Uncertain Significance.

NM_000489.6(ATRX):c.6657T>A (p.Asn2219Lys)

Gene: ATRX (ATRX chromatin remodeler; minus strand). Cytogenetic location: Xq21.1.
Variant type: single nucleotide variant.
Coding change: c.6657T>A on transcript NM_000489.6 (MANE Select); coding-DNA position 6657, T replaced by A.
Protein change: p.Asn2219Lys; replaces asparagine 2219 with lysine.
Molecular consequence: missense variant.
Genome position (GRCh38, 1-based): chrX:77,557,493, A>T on the plus strand (T>A on the coding strand, the complement: ATRX is on the minus strand). VCF-style: chrX-77557493-A-T. GRCh37 (hg19) VCF-style: chrX-76812964-A-T.
Other names: c.6543T>A, p.Asn2181Lys (NM_138270.5); short protein forms N2181K, N2219K.
Identifiers: ClinVar variation 4801098 (VCV004801098.1).